The following is an entry in ClinVar:

NM_001127208.3(TET2):c.337A>G (p.Lys113Glu)

Genes: TET2 (tet methylcytosine dioxygenase 2; plus strand), TET2-AS1 (TET2 antisense RNA 1; minus strand). Cytogenetic location: 4q24.
Variant type: single nucleotide variant.
Coding change: c.337A>G on transcript NM_001127208.3 (MANE Select); coding-DNA position 337, A replaced by G.
Protein change: p.Lys113Glu; replaces lysine 113 with glutamic acid.
Molecular consequence: missense variant.
Genome position (GRCh38, 1-based): chr4:105,234,279, A>G. VCF-style: chr4-105234279-A-G. GRCh37 (hg19) VCF-style: chr4-106155436-A-G.
Other names: c.337A>G, p.Lys113Glu (NM_017628.4); short protein forms K113E.
Identifiers: ClinVar variation 4594139 (VCV004594139.1).

ClinVar aggregate classification (germline): Uncertain significance (1 of 4 stars; one submission).

Submission:

Ambry Genetics
Classification: Uncertain significance. Last evaluated: 2025-10-03. Review status: criteria provided, single submitter. Criteria: Ambry Variant Classification Scheme 2023. Collection method: clinical testing. Allele origin: germline.
Comment: The p.K113E variant (also known as c.337A>G), located in coding exon 1 of the TET2 gene, results from an A to G substitution at nucleotide position 337. The lysine at codon 113 is replaced by glutamic acid, an amino acid with similar properties. This amino acid position is conserved. In addition, this alteration is predicted to be tolerated by in silico analysis. Based on the available evidence, the clinical significance of this variant remains unclear.